The following is an entry in ClinVar:

ClinVar aggregate classification (germline): Uncertain significance (1 of 4 stars; one submission).

Conditions:
Peroxisome biogenesis disorder 5A (Zellweger) (PBD5A). Identifiers: Orphanet 912, MedGen C3553940, MONDO:0013932, OMIM 614866.

Submission:

Labcorp Genetics (formerly Invitae), Labcorp
Classification: Uncertain significance for Peroxisome biogenesis disorder 5A (Zellweger). Last evaluated: 2022-01-11. Review status: criteria provided, single submitter. Criteria: Invitae Variant Classification Sherloc (09022015). Collection method: clinical testing. Allele origin: germline.
Comment: This sequence change replaces serine, which is neutral and polar, with arginine, which is basic and polar, at codon 240 of the PEX2 protein (p.Ser240Arg). This variant is not present in population databases (gnomAD no frequency). This variant has not been reported in the literature in individuals affected with PEX2-related conditions. Algorithms developed to predict the effect of missense changes on protein structure and function output the following: SIFT: "Tolerated"; PolyPhen-2: "Benign"; Align-GVGD: "Class C0". The arginine amino acid residue is found in multiple mammalian species, which suggests that this missense change does not adversely affect protein function. In summary, the available evidence is currently insufficient to determine the role of this variant in disease. Therefore, it has been classified as a Variant of Uncertain Significance.

NM_000318.3(PEX2):c.718A>C (p.Ser240Arg)

Gene: PEX2 (peroxisomal biogenesis factor 2; minus strand). Cytogenetic location: 8q21.13.
Variant type: single nucleotide variant.
Coding change: c.718A>C on transcript NM_000318.3 (MANE Select); coding-DNA position 718, A replaced by C.
Protein change: p.Ser240Arg; replaces serine 240 with arginine.
Molecular consequence: missense variant.
Genome position (GRCh38, 1-based): chr8:76,983,461, T>G on the plus strand (A>C on the coding strand, the complement: PEX2 is on the minus strand). VCF-style: chr8-76983461-T-G. GRCh37 (hg19) VCF-style: chr8-77895697-T-G.
Other names: c.718A>C, p.Ser240Arg (NM_001079867.2, NM_001172086.2, NM_001172087.2); short protein forms S240R.
Identifiers: ClinVar variation 2022852 (VCV002022852.4), dbSNP rs2487450648, ClinGen allele CA371556734.
Genomic context (GRCh38, chr8:76,983,461, plus strand): 5'-CACATCCTATGGTGTGAGGCATGGTGGGCCACTCTCCACATAGAGCGCATTCTTTGCCAC[T>G]GGTGGCTAATGTATTGTCACTATTAGGTGCACCAGTAAGAGGAATACACCATGAAGACAG-3'
Protein context (NP_000309.2, residues 230-250): APNSDNTLAT[Ser240Arg]GKECALCGEW